The following is an entry in ClinVar:

NM_001318852.2(MAPK8IP3):c.142G>A (p.Asp48Asn)

Gene: MAPK8IP3 (mitogen-activated protein kinase 8 interacting protein 3; plus strand). Cytogenetic location: 16p13.3.
Variant type: single nucleotide variant.
Coding change: c.142G>A on transcript NM_001318852.2 (MANE Select); coding-DNA position 142, G replaced by A.
Protein change: p.Asp48Asn; replaces aspartic acid 48 with asparagine.
Molecular consequence: missense variant.
Genome position (GRCh38, 1-based): chr16:1,706,481, G>A. VCF-style: chr16-1706481-G-A. GRCh37 (hg19) VCF-style: chr16-1756482-G-A.
Other names: c.142G>A, p.Asp48Asn (NM_001040439.2, NM_015133.5); short protein forms D48N.
Identifiers: ClinVar variation 3391771 (VCV003391771.1).

ClinVar aggregate classification (germline): Uncertain significance (1 of 4 stars; one submission).

Submission:

GeneDx
Classification: Uncertain significance. Last evaluated: 2024-06-20. Review status: criteria provided, single submitter. Criteria: GeneDx Variant Classification Process June 2021. Collection method: clinical testing. Allele origin: germline. Affected: yes.
Comment: Not observed at significant frequency in large population cohorts (gnomAD); In silico analysis supports that this missense variant has a deleterious effect on protein structure/function; Has not been previously published as pathogenic or benign to our knowledge